The following is an entry in ClinVar:

NM_002691.4(POLD1):c.1545dup (p.Ala516fs)

Gene: POLD1 (DNA polymerase delta 1, catalytic subunit; plus strand). Cytogenetic location: 19q13.33.
Variant type: Duplication.
Coding change: c.1545dup on transcript NM_002691.4 (MANE Select); coding-DNA position 1545, one base duplicated (T; older notation c.1545dupT).
Protein change: p.Ala516fs; shifts the reading frame from alanine 516.
Molecular consequence: frameshift variant. On other transcripts: non-coding transcript variant (1).
Genome position (GRCh38, 1-based): chr19:50,407,033, T duplicated. VCF-style (leftmost placement, unchanged base first): chr19-50407032-A-AT. GRCh37 (hg19) VCF-style: chr19-50910289-A-AT.
Other names: c.1545dup, p.Ala516fs (NM_001256849.1, NM_001308632.1); short protein forms A516fs.
Identifiers: ClinVar variation 2101147 (VCV002101147.4), dbSNP rs2513999814, ClinGen allele CA2580097634.

ClinVar aggregate classification (germline): Uncertain significance (1 of 4 stars; one submission).

Conditions:
POLD1-related polyposis and colorectal cancer syndrome (CRCS10). Also called: Colorectal cancer 10; COLORECTAL CANCER, SUSCEPTIBILITY TO, ON CHROMOSOME 19q; Colorectal cancer, susceptibility to, 10. Identifiers: Orphanet 220460, MedGen C2675481, MONDO:0012953, OMIM 612591.

Submission:

Labcorp Genetics (formerly Invitae), Labcorp
Classification: Uncertain significance for POLD1-related polyposis and colorectal cancer syndrome. Last evaluated: 2024-02-23. Review status: criteria provided, single submitter. Criteria: Invitae Variant Classification Sherloc (09022015). Collection method: clinical testing. Allele origin: germline.
Comment: This sequence change creates a premature translational stop signal (p.Ala516Cysfs*119) in the POLD1 gene. Missense variants that disrupt the 3'-5' exonuclease (proof-reading) activity of the POLD1 protein are associated with PPAP (polymerase proofreading–associated polyposis) (PMID: 23263490, 23447401). However, loss-of-function variants that result in an absent or severely disrupted POLD1 protein, and missense variants outside the exonuclease domain, are unlikely to be associated with PPAP. This variant is not present in population databases (gnomAD no frequency). This variant has not been reported in the literature in individuals affected with POLD1-related conditions. ClinVar contains an entry for this variant (Variation ID: 2101147). In summary, the available evidence is currently insufficient to determine the role of this variant in disease. Therefore, it has been classified as a Variant of Uncertain Significance.

Literature cited by the submitters: PubMed 23263490; PubMed 23447401.